The following is an entry in ClinVar:

NM_001024630.4(RUNX2):c.898G>C (p.Asp300His)

Gene: RUNX2 (RUNX family transcription factor 2; plus strand). Cytogenetic location: 6p21.1.
Variant type: single nucleotide variant.
Coding change: c.898G>C on transcript NM_001024630.4 (MANE Select); coding-DNA position 898, G replaced by C.
Protein change: p.Asp300His; replaces aspartic acid 300 with histidine.
Molecular consequence: missense variant.
Genome position (GRCh38, 1-based): chr6:45,512,284, G>C. VCF-style: chr6-45512284-G-C. GRCh37 (hg19) VCF-style: chr6-45480021-G-C.
Other names: c.898G>C, p.Asp300His (NM_001015051.4); c.856G>C, p.Asp286His (NM_001278478.2, NM_001369405.1, NM_004348.3); short protein forms D286H, D300H.
Identifiers: ClinVar variation 2413448 (VCV002413448.6), dbSNP rs370331024, ClinGen allele CA3836519.

ClinVar aggregate classification (germline): Uncertain significance (1 of 4 stars; one submission).

Allele frequency attached by ClinVar (database versions not stated): ExAC 0.00002; gnomAD 0.00002; TOPMed 0.00002; gnomAD exomes 0.00003; ESP Exome Variant Server 0.00008.

Submission:

Labcorp Genetics (formerly Invitae), Labcorp
Classification: Uncertain significance. Last evaluated: 2022-12-15. Review status: criteria provided, single submitter. Criteria: Invitae Variant Classification Sherloc (09022015). Collection method: clinical testing. Allele origin: germline.
Comment: In summary, the available evidence is currently insufficient to determine the role of this variant in disease. Therefore, it has been classified as a Variant of Uncertain Significance. Advanced modeling of protein sequence and biophysical properties (such as structural, functional, and spatial information, amino acid conservation, physicochemical variation, residue mobility, and thermodynamic stability) performed at Invitae indicates that this missense variant is not expected to disrupt RUNX2 protein function. This variant has not been reported in the literature in individuals affected with RUNX2-related conditions. This variant is present in population databases (rs370331024, gnomAD 0.01%). This sequence change replaces aspartic acid, which is acidic and polar, with histidine, which is basic and polar, at codon 300 of the RUNX2 protein (p.Asp300His).